The following is an entry in ClinVar:

ClinVar aggregate classification (germline): Pathogenic (1 of 4 stars; one submission).

Conditions:
Alstrom syndrome (ALMS). Identifiers: Orphanet 64, MedGen C0268425, MONDO:0008763, OMIM 203800.

Submission:

Labcorp Genetics (formerly Invitae), Labcorp
Classification: Pathogenic for Alstrom syndrome. Last evaluated: 2023-10-26. Review status: criteria provided, single submitter. Criteria: Invitae Variant Classification Sherloc (09022015). Collection method: clinical testing. Allele origin: unknown.
Comment: This variant is a gross deletion of the genomic region encompassing exon(s) 10-16 of the ALMS1 gene. This variant would be expected to be in-frame, preserving the integrity of the reading frame. This variant has not been reported in the literature in individuals affected with ALMS1-related conditions. This variant disrupts a region of the ALMS1 protein in which other variant(s) (p.Arg3607Trp) have been determined to be pathogenic (PMID: 26633542, 31630094, 31755649, 32531870, 36162988). This suggests that this is a clinically significant region of the protein, and that variants that disrupt it are likely to be disease-causing. For these reasons, this variant has been classified as Pathogenic.

Literature cited by the submitters: PubMed 26633542; PubMed 31630094; PubMed 31755649; PubMed 32531870; PubMed 36162988.

NC_000002.11:g.(?_73716741)_(73800571_?)del

Gene: ALMS1 (ALMS1 centrosome and basal body associated protein; plus strand). Cytogenetic location: 2p13.1.
Variant type: Deletion.
Identifiers: ClinVar variation 3247154 (VCV003247154.1).